The following is an entry in ClinVar:

NM_001754.5(RUNX1):c.590_597del (p.Val197fs)

Genes: RUNX1 (RUNX family transcription factor 1; minus strand), RUNX1-AS1 (RUNX1 antisense RNA 1; plus strand). Cytogenetic location: 21q22.12.
Variant type: Deletion.
Coding change: c.590_597del on transcript NM_001754.5 (MANE Select); coding-DNA positions 590 to 597, 8 bases deleted (TGGATGGG; older notation c.590_597delTGGATGGG).
Protein change: p.Val197fs; shifts the reading frame from valine 197.
Molecular consequence: frameshift variant.
Genome position (GRCh38, 1-based): chr21:34,859,490-34,859,497, CCCATCCA deleted on the plus strand (TGGATGGG on the coding strand, the reverse complement: RUNX1 is on the minus strand); deleting any 8 consecutive bases within chr21:34,859,490-34,859,498 gives the same sequence; the c. name uses the placement nearest the transcript's 3' end. VCF-style (leftmost placement, unchanged base first): chr21-34859489-GCCCATCCA-G. GRCh37 (hg19) VCF-style: chr21-36231786-GCCCATCCA-G.
Other names: NM_001754.5(RUNX1):c.590_597del; p.Val197fs; c.509_516del, p.Val170fs (NM_001001890.3, NM_001122607.2); short protein forms V170fs, V197fs.
Identifiers: ClinVar variation 1706546 (VCV001706546.3), dbSNP rs2517272238, ClinGen allele CA2580098634.

ClinVar aggregate classification (germline): Pathogenic. Review status: reviewed by expert panel (3 of 4 stars). 2 submissions from 2 submitters: Pathogenic (1). 1 of the submissions does not count toward it. Last evaluated 2023-12-09.

Conditions:
Hereditary thrombocytopenia and hematologic cancer predisposition syndrome. Identifiers: Orphanet 71290, MedGen CN281654, MONDO:0011071.
Hereditary thrombocytopenia and hematological cancer predisposition syndrome associated with RUNX1. Also called: PLATELET DISORDER, ASPIRIN-LIKE; RUNX1 Familial Platelet Disorder with Associated Myeloid Malignancies; Familial Platelet Disorder with Propensity to Acute Myelogenous Leukemia; Familial thrombocytopenia with propensity to acute myelogenous leukemia. Identifiers: Orphanet 71290, MedGen C1832388, MeSH C563324, MONDO:0100083, OMIM 601399.

Submissions (2):

ClinGen Myeloid Malignancy Variant Curation Expert Panel
Classification: Pathogenic for Hereditary thrombocytopenia and hematologic cancer predisposition syndrome. Last evaluated: 2023-12-09. Review status: reviewed by expert panel. Criteria: ClinGen MyeloMalig ACMG Specifications v2. Collection method: curation. Allele origin: germline. Inheritance: Autosomal dominant inheritance.
Comment: The NM_001754.5(RUNX1):c.590_597del change is a frameshift variant that is predicted to introduce a premature stop codon and is expected to result in nonsense-mediated mRNA decay. This variant is predicted to affect all the biologically relevant transcripts (PVS1). In addition, this is completely absent from all population databases with at least 20x coverage for RUNX1 (PM2_supporting), and it affects AA downstream of c.98 (in transcript NM_001754.4) (PM5_supporting). Although, this has been found in a single patient in a large cohort of AML cases (PMID: 27137476), its allele frequency and/or germinal origin is unknown. Therefore, we cannot assess case-study/segregation criteria. In summary, this variant meets the criteria to be classified as pathogenic. ACMG/AMP criteria applied, as specified by the Myeloid Malignancy Variant Curation Expert Panel for RUNX1: PVS1, PM2_supporting, and PM5_supporting.

Institute for Medical Genetics and Human Genetics, Charité - Universitätsmedizin Berlin
Classification: Pathogenic for Hereditary thrombocytopenia and hematological cancer predisposition syndrome associated with RUNX1. Last evaluated: 2022-09-22. Review status: criteria provided, single submitter. Criteria: ACMG Guidelines, 2015. Collection method: clinical testing. Allele origin: germline. Inheritance: Autosomal dominant inheritance. Affected: yes. Observed: 1 heterozygote. Not counted in ClinVar's aggregate classification.